The following is an entry in ClinVar:

NM_138713.4(NFAT5):c.4552C>T (p.Pro1518Ser)

Gene: NFAT5 (nuclear factor of activated T cells 5; plus strand). Cytogenetic location: 16q22.1.
Variant type: single nucleotide variant.
Coding change: c.4552C>T on transcript NM_138713.4 (MANE Select); coding-DNA position 4552, C replaced by T.
Protein change: p.Pro1518Ser; replaces proline 1518 with serine.
Molecular consequence: missense variant.
Genome position (GRCh38, 1-based): chr16:69,695,273, C>T. VCF-style: chr16-69695273-C-T. GRCh37 (hg19) VCF-style: chr16-69729176-C-T.
Other names: c.4549C>T, p.Pro1517Ser (NM_001113178.3); c.3877C>T, p.Pro1293Ser (NM_001367709.1); c.4498C>T, p.Pro1500Ser (NM_006599.4); c.4270C>T, p.Pro1424Ser (NM_138714.4, NM_173214.3, NM_173215.3); short protein forms P1517S, P1518S, P1293S, P1424S, P1500S.
Identifiers: ClinVar variation 1443042 (VCV001443042.8), dbSNP rs2037723323, ClinGen allele CA396516064.
Genomic context (GRCh38, chr16:69,695,273, plus strand): 5'-CAAAACGAGGGCCAGCCACCTGTGACAACACTTCTTTCTCAGCAAATGCCAGAGAATTCT[C>T]CACTGGCATCCTCTATAAACACCAACCAGAACATCGAAAAGATTGATTTGCTTGTTTCAT-3'
Protein context (NP_619727.2, residues 1508-1528): LLSQQMPENS[Pro1518Ser]LASSINTNQN

ClinVar aggregate classification (germline): Uncertain significance (1 of 4 stars; one submission).

Conditions:
Immunodeficiency. Identifiers: MedGen C0021051, MONDO:0021094, HP:0002721.

Submission:

Labcorp Genetics (formerly Invitae), Labcorp
Classification: Uncertain significance for Immunodeficiency. Last evaluated: 2025-03-29. Review status: criteria provided, single submitter. Criteria: Invitae Variant Classification Sherloc (09022015). Collection method: clinical testing. Allele origin: germline.
Comment: This sequence change replaces proline, which is neutral and non-polar, with serine, which is neutral and polar, at codon 1424 of the NFAT5 protein (p.Pro1424Ser). This variant is not present in population databases (gnomAD no frequency). This variant has not been reported in the literature in individuals affected with NFAT5-related conditions. ClinVar contains an entry for this variant (Variation ID: 1443042). An algorithm developed to predict the effect of missense changes on protein structure and function outputs the following: PolyPhen-2: "Benign". The serine amino acid residue is found in multiple mammalian species, which suggests that this missense change does not adversely affect protein function. In summary, the available evidence is currently insufficient to determine the role of this variant in disease. Therefore, it has been classified as a Variant of Uncertain Significance.